The following is an entry in ClinVar:

NM_000264.5(PTCH1):c.292T>G (p.Cys98Gly)

Gene: PTCH1 (patched 1; minus strand). Cytogenetic location: 9q22.32.
Variant type: single nucleotide variant.
Coding change: c.292T>G on transcript NM_000264.5 (MANE Select); coding-DNA position 292, T replaced by G.
Protein change: p.Cys98Gly; replaces cysteine 98 with glycine.
Molecular consequence: missense variant. On other transcripts: 5 prime UTR variant (4), non-coding transcript variant (1).
Genome position (GRCh38, 1-based): chr9:95,506,509, A>C on the plus strand (T>G on the coding strand, the complement: PTCH1 is on the minus strand). VCF-style: chr9-95506509-A-C. GRCh37 (hg19) VCF-style: chr9-98268791-A-C.
Other names: c.94T>G, p.Cys32Gly (NM_001083602.3, NM_001354919.2); c.289T>G, p.Cys97Gly (NM_001083603.3); c.-162T>G (NM_001083604.3, NM_001083605.3, NM_001083606.3 and 1 more transcripts); c.292T>G, p.Cys98Gly (NM_001354918.2); short protein forms C98G, C97G, C32G.
Identifiers: ClinVar variation 2711286 (VCV002711286.3), dbSNP rs2118878195, ClinGen allele CA374120341.
Genomic context (GRCh38, chr9:95,506,509, plus strand): 5'-CTTTTAATCCCACCGCGAAGGCCCCAAATATGAGGAGGCCCACAACCAAGAACTTGCCGC[A>C]GTTTTTTTGAATGTAACAACCCAGTTTAAATAAGAGTCTCTGAAACTTCGCTCTCAGCCA-3'
Protein context (NP_000255.2, residues 88-108): FKLGCYIQKN[Cys98Gly]GKFLVVGLLI

ClinVar aggregate classification (germline): Uncertain significance (1 of 4 stars; one submission).

Conditions:
Gorlin syndrome. Also called: Nevoid Basal Cell Carcinoma Syndrome; Basal cell nevus syndrome. Identifiers: Orphanet 377, MedGen C0004779, MONDO:0007187.

Submission:

Labcorp Genetics (formerly Invitae), Labcorp
Classification: Uncertain significance for Gorlin syndrome. Last evaluated: 2023-06-11. Review status: criteria provided, single submitter. Criteria: Invitae Variant Classification Sherloc (09022015). Collection method: clinical testing. Allele origin: germline.
Comment: This sequence change replaces cysteine, which is neutral and slightly polar, with glycine, which is neutral and non-polar, at codon 98 of the PTCH1 protein (p.Cys98Gly). In summary, the available evidence is currently insufficient to determine the role of this variant in disease. Therefore, it has been classified as a Variant of Uncertain Significance. Advanced modeling of protein sequence and biophysical properties (such as structural, functional, and spatial information, amino acid conservation, physicochemical variation, residue mobility, and thermodynamic stability) has been performed at Invitae for this missense variant, however the output from this modeling did not meet the statistical confidence thresholds required to predict the impact of this variant on PTCH1 protein function. This variant has not been reported in the literature in individuals affected with PTCH1-related conditions. This variant is not present in population databases (gnomAD no frequency).